The following is an entry in ClinVar:

ClinVar aggregate classification (germline): Benign/Likely benign. Review status: criteria provided, multiple submitters, no conflicts (2 of 4 stars). 2 submissions from 2 submitters: Benign (1); Likely benign (1). Last evaluated 2026-06-25.

Conditions:
Retinoblastoma (RB1). Also called: RETINOBLASTOMA, SOMATIC. Identifiers: Orphanet 790, MedGen C0035335, MeSH D012175, MONDO:0008380, OMIM 180200, HP:0009919. Disease mechanism: loss of function. Inheritance: Both sporadic and heritable forms are tested..
Hereditary cancer-predisposing syndrome. Also called: Neoplastic Syndromes, Hereditary; Tumor predisposition; Hereditary Cancer Syndrome; Hereditary neoplastic syndrome. Identifiers: Orphanet 140162, MedGen C0027672, MeSH D009386, MONDO:0015356.

Submissions (2):

Myriad Genetics, Inc.
Classification: Benign for Retinoblastoma. Last evaluated: 2026-06-25. Review status: criteria provided, single submitter. Criteria: Myriad Autosomal Dominant, Autosomal Recessive and X-Linked Classification Criteria (2023). Collection method: clinical testing. Allele origin: unknown.
Comment: This variant is considered benign. This variant is a silent/synonymous amino acid change and it is not expected to impact splicing.

Ambry Genetics
Classification: Likely benign for Hereditary cancer-predisposing syndrome. Last evaluated: 2024-12-20. Review status: criteria provided, single submitter. Criteria: Ambry Variant Classification Scheme 2023. Collection method: clinical testing. Allele origin: germline.

NM_000321.3(RB1):c.2394G>A (p.Arg798=)

Gene: RB1 (RB transcriptional corepressor 1; plus strand). Cytogenetic location: 13q14.2.
Variant type: single nucleotide variant.
Coding change: c.2394G>A on transcript NM_000321.3 (MANE Select); coding-DNA position 2394, G replaced by A.
Protein change: p.Arg798=; no amino-acid change (arginine 798 retained).
Molecular consequence: synonymous variant.
Genome position (GRCh38, 1-based): chr13:48,465,273, G>A. VCF-style: chr13-48465273-G-A. GRCh37 (hg19) VCF-style: chr13-49039409-G-A.
Other names: c.2394G>A, p.Arg798= (NM_001407165.1).
Identifiers: ClinVar variation 3787270 (VCV003787270.2).